The following is an entry in ClinVar:

NM_017636.4(TRPM4):c.2435C>T (p.Ser812Phe)

Gene: TRPM4 (transient receptor potential cation channel subfamily M member 4; plus strand). Cytogenetic location: 19q13.33.
Variant type: single nucleotide variant.
Coding change: c.2435C>T on transcript NM_017636.4 (MANE Select); coding-DNA position 2435, C replaced by T.
Protein change: p.Ser812Phe; replaces serine 812 with phenylalanine.
Molecular consequence: missense variant. On other transcripts: intron variant (1).
Genome position (GRCh38, 1-based): chr19:49,196,664, C>T. VCF-style: chr19-49196664-C-T. GRCh37 (hg19) VCF-style: chr19-49699921-C-T.
Other names: c.2090C>T, p.Ser697Phe (NM_001321281.2); c.827C>T, p.Ser276Phe (NM_001321282.2); c.1913C>T, p.Ser638Phe (NM_001321283.2); c.1373C>T, p.Ser458Phe (NM_001321285.2); c.2211-3636C>T (NM_001195227.2); short protein forms S697F, S276F, S812F, S458F, S638F.
Identifiers: ClinVar variation 2130418 (VCV002130418.4), dbSNP rs2514179096, ClinGen allele CA406809225.

ClinVar aggregate classification (germline): Uncertain significance (1 of 4 stars; one submission).

Conditions:
Progressive familial heart block type IB (PFHB1B). Identifiers: Orphanet 871, MedGen C1970298, MONDO:0011474, OMIM 604559.

gnomAD v4.1: 2 of 1,547,272 alleles (0.00013%); highest among the groups gnomAD compares: Admixed American, 0.0039%; no homozygotes.

Submission:

Labcorp Genetics (formerly Invitae), Labcorp
Classification: Uncertain significance for Progressive familial heart block type IB. Last evaluated: 2022-04-12. Review status: criteria provided, single submitter. Criteria: Invitae Variant Classification Sherloc (09022015). Collection method: clinical testing. Allele origin: germline.
Comment: In summary, the available evidence is currently insufficient to determine the role of this variant in disease. Therefore, it has been classified as a Variant of Uncertain Significance. Algorithms developed to predict the effect of missense changes on protein structure and function (SIFT, PolyPhen-2, Align-GVGD) all suggest that this variant is likely to be tolerated. This variant has not been reported in the literature in individuals affected with TRPM4-related conditions. This variant is not present in population databases (gnomAD no frequency). This sequence change replaces serine, which is neutral and polar, with phenylalanine, which is neutral and non-polar, at codon 812 of the TRPM4 protein (p.Ser812Phe).